The following is an entry in ClinVar:

ClinVar aggregate classification (germline): Uncertain significance. Review status: criteria provided, multiple submitters, no conflicts (2 of 4 stars). 2 submissions from 2 submitters: Uncertain significance (2). Last evaluated 2024-03-13.

Conditions:
Inborn genetic diseases. Identifiers: MedGen C0950123, MeSH D030342.

Allele frequency attached by ClinVar (database versions not stated): gnomAD 0.00001; 1000 Genomes Project 30x 0.00021.

Submissions (2):

Ambry Genetics
Classification: Uncertain significance for Inborn genetic diseases. Last evaluated: 2024-03-13. Review status: criteria provided, single submitter. Criteria: Ambry Variant Classification Scheme 2023. Collection method: clinical testing. Allele origin: germline.
Comment: The p.R101H variant (also known as c.302G>A), located in coding exon 3 of the IDS gene, results from a G to A substitution at nucleotide position 302. The arginine at codon 101 is replaced by histidine, an amino acid with highly similar properties. This amino acid position is conserved. In addition, this alteration is predicted to be deleterious by in silico analysis. Based on the available evidence, the clinical significance of this alteration remains unclear.

CeGaT Center for Human Genetics Tuebingen
Classification: Uncertain significance. Last evaluated: 2023-02-01. Review status: criteria provided, single submitter. Criteria: CeGaT Center For Human Genetics Tuebingen Variant Classification Criteria Version 2. Collection method: clinical testing. Allele origin: germline. Affected: yes. Observed: 1 variant allele.

NM_000202.8(IDS):c.302G>A (p.Arg101His)

Gene: IDS (iduronate 2-sulfatase; minus strand). Cytogenetic location: Xq28.
Variant type: single nucleotide variant.
Coding change: c.302G>A on transcript NM_000202.8 (MANE Select); coding-DNA position 302, G replaced by A.
Protein change: p.Arg101His; replaces arginine 101 with histidine.
Molecular consequence: missense variant. On other transcripts: non-coding transcript variant (1).
Genome position (GRCh38, 1-based): chrX:149,503,428, C>T on the plus strand (G>A on the coding strand, the complement: IDS is on the minus strand). VCF-style: chrX-149503428-C-T. GRCh37 (hg19) VCF-style: chrX-148584958-C-T.
Other names: c.32G>A, p.Arg11His (NM_001166550.4); c.302G>A, p.Arg101His (NM_006123.5); c.302G>A (NM_000202.5); short protein forms R101H, R11H.
Identifiers: ClinVar variation 2661615 (VCV002661615.25), dbSNP rs1391120386, ClinGen allele CA414526526.